The following is an entry in ClinVar:

NM_001005361.3(DNM2):c.2297C>T (p.Thr766Ile)

Gene: DNM2 (dynamin 2; plus strand). Cytogenetic location: 19p13.2.
Variant type: single nucleotide variant.
Coding change: c.2297C>T on transcript NM_001005361.3 (MANE Select); coding-DNA position 2297, C replaced by T.
Protein change: p.Thr766Ile; replaces threonine 766 with isoleucine.
Molecular consequence: missense variant.
Genome position (GRCh38, 1-based): chr19:10,830,132, C>T. VCF-style: chr19-10830132-C-T. GRCh37 (hg19) VCF-style: chr19-10940808-C-T.
Other names: c.2297C>T, p.Thr766Ile (NM_001005360.3, NM_001190716.2); c.2285C>T, p.Thr762Ile (NM_001005362.3, NM_004945.4); short protein forms T766I, T762I.
Identifiers: ClinVar variation 840578 (VCV000840578.9), dbSNP rs2073286326, ClinGen allele CA404043523.
Genomic context (GRCh38, chr19:10,830,132, plus strand): 5'-GCGGGGGCTCCTACTCCATCTGTATCTGTAGCTCACACCCTCTCCTTCCTCACAGCCCCA[C>T]TCCACAGCGCCGACCGGTGTCCAGCATACACCCCCCTGGCCGGCCCCCAGCAGTGAGGGG-3'
Protein context (NP_001005361.1, residues 756-776): WLQSASSHSP[Thr766Ile]PQRRPVSSIH

ClinVar aggregate classification (germline): Uncertain significance (1 of 4 stars; one submission).

Conditions:
Charcot-Marie-Tooth disease dominant intermediate B (CMTDIB). Also called: CHARCOT-MARIE-TOOTH NEUROPATHY, DOMINANT INTERMEDIATE B; Charcot-Marie-Tooth disease dominant intermediate 1; CMT DI1; Charcot-Marie-Tooth disease dominant intermediate I. Identifiers: Orphanet 100044, Orphanet 228179, MedGen C1847902, MONDO:0011674, OMIM 606482.

gnomAD v4.1: 2 of 1,613,876 alleles (0.00012%); highest among the groups gnomAD compares: Admixed American, 0.0033%; no homozygotes.

Submission:

Labcorp Genetics (formerly Invitae), Labcorp
Classification: Uncertain significance for Charcot-Marie-Tooth disease dominant intermediate B. Last evaluated: 2022-03-09. Review status: criteria provided, single submitter. Criteria: Invitae Variant Classification Sherloc (09022015). Collection method: clinical testing. Allele origin: germline.
Comment: Algorithms developed to predict the effect of missense changes on protein structure and function output the following: SIFT: "Deleterious"; PolyPhen-2: "Benign"; Align-GVGD: "Class C0". The isoleucine amino acid residue is found in multiple mammalian species, which suggests that this missense change does not adversely affect protein function. ClinVar contains an entry for this variant (Variation ID: 840578). This variant has not been reported in the literature in individuals affected with DNM2-related conditions. This variant is not present in population databases (gnomAD no frequency). This sequence change replaces threonine, which is neutral and polar, with isoleucine, which is neutral and non-polar, at codon 766 of the DNM2 protein (p.Thr766Ile). In summary, the available evidence is currently insufficient to determine the role of this variant in disease. Therefore, it has been classified as a Variant of Uncertain Significance.